The following is an entry in ClinVar:

NM_001040142.2(SCN2A):c.628C>G (p.Leu210Val)

Gene: SCN2A (sodium voltage-gated channel alpha subunit 2; plus strand). Cytogenetic location: 2q24.3.
Variant type: single nucleotide variant.
Coding change: c.628C>G on transcript NM_001040142.2 (MANE Select); coding-DNA position 628, C replaced by G.
Protein change: p.Leu210Val; replaces leucine 210 with valine.
Molecular consequence: missense variant. On other transcripts: intron variant (2).
Genome position (GRCh38, 1-based): chr2:165,309,374, C>G. VCF-style: chr2-165309374-C-G. GRCh37 (hg19) VCF-style: chr2-166165884-C-G.
Other names: c.628C>G, p.Leu210Val (NM_001371247.1, NM_021007.3); c.697+118C>G (NM_001040143.2, NM_001371246.1); short protein forms L210V.
Identifiers: ClinVar variation 976027 (VCV000976027.18), dbSNP rs764647930, ClinGen allele CA1939668.

ClinVar aggregate classification (germline): Conflicting classifications of pathogenicity. Review status: criteria provided, conflicting classifications (1 of 4 stars). 5 submissions from 5 submitters: Likely pathogenic (2); Uncertain significance (3). Last evaluated 2026-09-29.

Conditions:
Pulmonary fibrosis and/or bone marrow failure, Telomere-related, 3. Also called: PULMONARY FIBROSIS AND/OR BONE MARROW FAILURE SYNDROME, TELOMERE-RELATED, 3. Identifiers: Orphanet 2032, MedGen C4225346, MONDO:0014613, OMIM 616373.
Seizures, benign familial infantile, 3 (BFIS3). Also called: Familial neonatal seizures; CONVULSIONS, BENIGN FAMILIAL INFANTILE, 3. Identifiers: Orphanet 140927, Orphanet 306, MedGen C1843140, MONDO:0011904, OMIM 607745.
Developmental and epileptic encephalopathy, 11 (DEE11). Also called: Early infantile epileptic encephalopathy 11. Identifiers: Orphanet 1934, MedGen C3150987, MONDO:0013388, OMIM 613721.

Allele frequency attached by ClinVar (database versions not stated): ExAC 0.00001; gnomAD exomes below 0.00001; gnomAD 0.00001; TOPMed 0.00001.
gnomAD v4.1: 6 of 1,613,482 alleles (0.00037%); highest among the groups gnomAD compares: Non-Finnish European, 0.00051%; no homozygotes.

Submissions (5):

GeneDx
Classification: Uncertain significance. Last evaluated: 2026-09-29. Review status: criteria provided, single submitter. Criteria: GeneDx Variant Classification Process June 2021. Collection method: clinical testing. Allele origin: germline.
Comment: In silico analysis supports that this missense variant has a deleterious effect on protein structure/function; This substitution is predicted to be within the extracellular loop between the S3 and S4 transmembrane segments of the first homologous domain; Has not been previously published as pathogenic or benign to our knowledge

Johns Hopkins Genomics, Johns Hopkins University
Classification: Uncertain significance for Pulmonary fibrosis and/or bone marrow failure, Telomere-related, 3. Last evaluated: 2025-01-31. Review status: criteria provided, single submitter. Criteria: ACMG Guidelines, 2015. Collection method: clinical testing. Allele origin: germline.
Comment: The clinical significance of this variant is uncertain (BS1).

Institute of Immunology and Genetics Kaiserslautern
Classification: Likely pathogenic for Seizures, benign familial infantile, 3. Last evaluated: 2024-11-07. Review status: criteria provided, single submitter. Criteria: ACMG Guidelines, 2015. Collection method: clinical testing. Allele origin: maternal. Affected: yes.
Comment: ACMG Criteria: PM1, PM5, PM2_P, PP3; Variant was found in heterozygous state

Labcorp Genetics (formerly Invitae), Labcorp
Classification: Likely pathogenic for Seizures, benign familial infantile, 3; Developmental and epileptic encephalopathy, 11. Last evaluated: 2024-04-02. Review status: criteria provided, single submitter. Criteria: Invitae Variant Classification Sherloc (09022015). Collection method: clinical testing. Allele origin: germline.
Comment: This sequence change replaces leucine, which is neutral and non-polar, with valine, which is neutral and non-polar, at codon 210 of the SCN2A protein (p.Leu210Val). This variant is not present in population databases (gnomAD no frequency). This variant has not been reported in the literature in individuals affected with SCN2A-related conditions. ClinVar contains an entry for this variant (Variation ID: 976027). Advanced modeling of protein sequence and biophysical properties (such as structural, functional, and spatial information, amino acid conservation, physicochemical variation, residue mobility, and thermodynamic stability) performed at Invitae indicates that this missense variant is expected to disrupt SCN2A protein function with a positive predictive value of 95%. This variant disrupts the p.Leu210 amino acid residue in SCN2A. Other variant(s) that disrupt this residue have been determined to be pathogenic (Invitae). This suggests that this residue is clinically significant, and that variants that disrupt this residue are likely to be disease-causing. In summary, the currently available evidence indicates that the variant is pathogenic, but additional data are needed to prove that conclusively. Therefore, this variant has been classified as Likely Pathogenic.

Institute of Human Genetics, University of Leipzig Medical Center
Classification: Uncertain significance for Developmental and epileptic encephalopathy, 11. Last evaluated: 2023-06-12. Review status: criteria provided, single submitter. Criteria: ACMG Guidelines, 2015. Collection method: clinical testing. Allele origin: unknown. Inheritance: Autosomal dominant inheritance. Affected: yes.
Comment: Criteria applied: PM1,PM5,PP3

Literature cited by the submitters: PubMed 36413997 (cited by Johns Hopkins Genomics, Johns Hopkins University).